The following is an entry in ClinVar:

ClinVar aggregate classification (germline): Uncertain significance (1 of 4 stars; one submission).

Conditions:
Ataxia-telangiectasia syndrome (AT). Also called: Ataxia telangiectasia (A-T); ATAXIA-TELANGIECTASIA, COMPLEMENTATION GROUP A; ATAXIA-TELANGIECTASIA, FRESNO VARIANT; Ataxia-telangiectasia; Ataxia-telangiectasia, complementation group E; LOUIS-BAR SYNDROME. Identifiers: Orphanet 100, MedGen C0004135, MONDO:0008840, OMIM 208900.

Submission:

Labcorp Genetics (formerly Invitae), Labcorp
Classification: Uncertain significance for Ataxia-telangiectasia syndrome. Last evaluated: 2020-02-02. Review status: criteria provided, single submitter. Criteria: Invitae Variant Classification Sherloc (09022015). Collection method: clinical testing. Allele origin: germline.
Comment: In summary, the available evidence is currently insufficient to determine the role of this variant in disease. Therefore, it has been classified as a Variant of Uncertain Significance. Algorithms developed to predict the effect of missense changes on protein structure and function are either unavailable or do not agree on the potential impact of this missense change (SIFT: "Tolerated"; PolyPhen-2: "Probably Damaging"; Align-GVGD: "Class C0"). This variant has not been reported in the literature in individuals with ATM-related conditions. This variant is not present in population databases (ExAC no frequency). This sequence change replaces glutamic acid with lysine at codon 2183 of the ATM protein (p.Glu2183Lys). The glutamic acid residue is moderately conserved and there is a small physicochemical difference between glutamic acid and lysine.

NM_000051.4(ATM):c.6547G>A (p.Glu2183Lys)

Genes: ATM (ATM serine/threonine kinase; plus strand), C11orf65 (chromosome 11 open reading frame 65; minus strand). Cytogenetic location: 11q22.3.
Variant type: single nucleotide variant.
Coding change: c.6547G>A on transcript NM_000051.4 (MANE Select); coding-DNA position 6547, G replaced by A.
Protein change: p.Glu2183Lys; replaces glutamic acid 2183 with lysine.
Molecular consequence: missense variant. On other transcripts: intron variant (2).
Genome position (GRCh38, 1-based): chr11:108,321,395, G>A. VCF-style: chr11-108321395-G-A. GRCh37 (hg19) VCF-style: chr11-108192122-G-A.
Other names: c.6547G>A, p.Glu2183Lys (NM_001351834.2); c.641-12324C>T (NM_001330368.2); c.*39-12324C>T (NM_001351110.2); short protein forms E2183K.
Identifiers: ClinVar variation 1038453 (VCV001038453.47), dbSNP rs2085204408, ClinGen allele CA382554316.